The following is an entry in ClinVar:

ClinVar aggregate classification (germline): Uncertain significance (1 of 4 stars; one submission).

Allele frequency attached by ClinVar (database versions not stated): gnomAD exomes below 0.00001.
gnomAD v4.1: 1 of 1,592,422 alleles (0.000063%); highest among the groups gnomAD compares: Non-Finnish European, 0.000086%; no homozygotes.

Submission:

Labcorp Genetics (formerly Invitae), Labcorp
Classification: Uncertain significance. Last evaluated: 2021-08-15. Review status: criteria provided, single submitter. Criteria: Invitae Variant Classification Sherloc (09022015). Collection method: clinical testing. Allele origin: germline.
Comment: This variant is not present in population databases (ExAC no frequency). This sequence change replaces arginine with lysine at codon 666 of the COL9A1 protein (p.Arg666Lys). The arginine residue is highly conserved and there is a small physicochemical difference between arginine and lysine. This variant has not been reported in the literature in individuals affected with COL9A1-related conditions. Algorithms developed to predict the effect of missense changes on protein structure and function (SIFT, PolyPhen-2, Align-GVGD) all suggest that this variant is likely to be disruptive. In summary, the available evidence is currently insufficient to determine the role of this variant in disease. Therefore, it has been classified as a Variant of Uncertain Significance.

NM_001851.6(COL9A1):c.1997G>A (p.Arg666Lys)

Gene: COL9A1 (collagen type IX alpha 1 chain; minus strand). Cytogenetic location: 6q13.
Variant type: single nucleotide variant.
Coding change: c.1997G>A on transcript NM_001851.6 (MANE Select); coding-DNA position 1997, G replaced by A.
Protein change: p.Arg666Lys; replaces arginine 666 with lysine.
Molecular consequence: missense variant. On other transcripts: non-coding transcript variant (1).
Genome position (GRCh38, 1-based): chr6:70,241,965, C>T on the plus strand (G>A on the coding strand, the complement: COL9A1 is on the minus strand). VCF-style: chr6-70241965-C-T. GRCh37 (hg19) VCF-style: chr6-70951668-C-T.
Other names: c.1298G>A, p.Arg433Lys (NM_001377289.1); c.1268G>A, p.Arg423Lys (NM_001377290.1, NM_078485.4); short protein forms R423K, R433K, R666K.
Identifiers: ClinVar variation 1373774 (VCV001373774.6), dbSNP rs1425493186, ClinGen allele CA364675427.
Genomic context (GRCh38, chr6:70,241,965, plus strand): 5'-CAACATGGTAGAAATCACCCTTCCAAATAAAGAACCTTCTGGAGTGCTGGAGCTCTTACC[C>T]TGTCACCTTTCATTCCAGGAAGTCCAGGGGGCCCAGGCAAGCCAGGGAGGCCAGGGCTAC-3'
Protein context (NP_001842.3, residues 656-676): PPGLPGMKGD[Arg666Lys]GVVGEPGPKG